The following is an entry in ClinVar:

NR_003051.4(RMRP):n.184G>A

Gene: RMRP (RNA component of mitochondrial RNA processing endoribonuclease; minus strand). Cytogenetic location: 9p13.3.
Variant type: single nucleotide variant.
Genome position: GRCh38 VCF-style: chr9-35657836-C-T. GRCh37 (hg19) VCF-style: chr9-35657833-C-T.
Other names: 182G-A.
Identifiers: ClinVar variation 553518 (VCV000553518.4), dbSNP rs1554651153, ClinGen allele CA464450620.
Genomic context (GRCh38, chr9:35,657,836, plus strand): 5'-TGTGGTTGGTGCGCGGACACGCACTGCCTGCGTAACTAGAGGGAGCTGACGGATGACGCC[C>T]CCGCGCCACGCCGCTCAGCGGGATACGCTTCTTGGCGGACTTTGGAGTGGGAAGCGGGGA-3'

ClinVar aggregate classification (germline): Uncertain significance. Review status: criteria provided, single submitter (1 of 4 stars). 3 submissions from 3 submitters: Uncertain significance (1). 2 of the submissions do not count toward it. Last evaluated 2023-12-08.

Conditions:
Metaphyseal chondrodysplasia, McKusick type (CHH). Also called: Cartilage-Hair Hypoplasia (CHH); Cartilage-hair hypoplasia. Identifiers: Orphanet 175, MedGen C0220748, MONDO:0009595, OMIM 250250.

gnomAD v4.1: 3 of 693,330 alleles (0.00043%); highest among the groups gnomAD compares: East Asian, 0.0027%; no homozygotes.

Submissions (3):

Women's Health and Genetics/Laboratory Corporation of America, LabCorp
Classification: Uncertain significance. Last evaluated: 2023-12-08. Review status: criteria provided, single submitter. Criteria: LabCorp Variant Classification Summary - May 2015. Collection method: clinical testing. Allele origin: germline.
Comment: Variant summary: RMRP n.183G>A alters a nucleotide in the non-coding RNA. The variant allele was found at a frequency of 1.5e-05 in 130220 control chromosomes. n.183G>A (also listed as n.182G>A) has been reported in the literature as a de novo occurrence in an individual affected with Cartilage-Hair Hypoplasia (Nakashima_2003). These data do not allow any conclusion about variant significance. To our knowledge, no experimental evidence demonstrating an impact on protein function has been reported. The following publications have been ascertained in the context of this evaluation (PMID: 16832578, 14608646). One submitter has cited clinical-significance assessments for this variant to ClinVar after 2014 and has classified the variant as uncertain significance. Based on the evidence outlined above, the variant was classified as VUS-possibly pathogenic.

Counsyl
Classification: Uncertain significance for Metaphyseal chondrodysplasia, McKusick type. Last evaluated: 2017-08-22. Review status: no assertion criteria provided. Collection method: clinical testing. Allele origin: unknown. Not counted in ClinVar's aggregate classification.

OMIM
Classification: Pathogenic for CARTILAGE-HAIR HYPOPLASIA. Last evaluated: 2003-12-15. Review status: no assertion criteria provided. Collection method: literature only. Allele origin: germline. Not counted in ClinVar's aggregate classification.

Literature cited by the submitters: PubMed 14608646 (cited by 3 submitters); PubMed 16832578 (cited by Women's Health and Genetics/Laboratory Corporation of America, LabCorp).